The following is an entry in ClinVar:

NM_013275.6(ANKRD11):c.7006A>G (p.Met2336Val)

Gene: ANKRD11 (ankyrin repeat domain 11; minus strand). Cytogenetic location: 16q24.3.
Variant type: single nucleotide variant.
Coding change: c.7006A>G on transcript NM_013275.6 (MANE Select); coding-DNA position 7006, A replaced by G.
Protein change: p.Met2336Val; replaces methionine 2336 with valine.
Molecular consequence: missense variant.
Genome position (GRCh38, 1-based): chr16:89,279,536, T>C on the plus strand (A>G on the coding strand, the complement: ANKRD11 is on the minus strand). VCF-style: chr16-89279536-T-C. GRCh37 (hg19) VCF-style: chr16-89345944-T-C.
Other names: c.7006A>G, p.Met2336Val (NM_001256182.2, NM_001256183.2); c.7006A>G (NM_013275.4); short protein forms M2336V.
Identifiers: ClinVar variation 2798491 (VCV002798491.4), dbSNP rs1295767448, ClinGen allele CA397149534.

ClinVar aggregate classification (germline): Uncertain significance. Review status: criteria provided, multiple submitters, no conflicts (2 of 4 stars). 2 submissions from 2 submitters: Uncertain significance (2). Last evaluated 2026-05-13.

Conditions:
KBG syndrome (KBGS). Also called: ANKRD11-Related KBG Syndrome. Identifiers: Orphanet 2332, MedGen C0220687, MONDO:0007846, OMIM 148050.
Inborn genetic diseases. Identifiers: MedGen C0950123, MeSH D030342.

Allele frequency attached by ClinVar (database versions not stated): gnomAD exomes below 0.00001.

Submissions (2):

Ambry Genetics
Classification: Uncertain significance for Inborn genetic diseases. Last evaluated: 2026-05-13. Review status: criteria provided, single submitter. Criteria: Ambry Variant Classification Scheme 2023. Collection method: clinical testing. Allele origin: germline.
Comment: The c.7006A>G (p.M2336V) alteration is located in exon 9 (coding exon 7) of the ANKRD11 gene. This alteration results from a A to G substitution at nucleotide position 7006, causing the methionine (M) at amino acid position 2336 to be replaced by a valine (V). Based on data from gnomAD, the G allele has an overall frequency of 0.003% (1/30882) total alleles studied. The highest observed frequency was 0.012% (1/8522) of African alleles. Based on insufficient or conflicting evidence, the clinical significance of this alteration remains unclear.

Labcorp Genetics (formerly Invitae), Labcorp
Classification: Uncertain significance for KBG syndrome. Last evaluated: 2024-04-30. Review status: criteria provided, single submitter. Criteria: Invitae Variant Classification Sherloc (09022015). Collection method: clinical testing. Allele origin: germline.
Comment: This sequence change replaces methionine, which is neutral and non-polar, with valine, which is neutral and non-polar, at codon 2336 of the ANKRD11 protein (p.Met2336Val). This variant is present in population databases (no rsID available, gnomAD 0.01%). This variant has not been reported in the literature in individuals affected with ANKRD11-related conditions. Advanced modeling of protein sequence and biophysical properties (such as structural, functional, and spatial information, amino acid conservation, physicochemical variation, residue mobility, and thermodynamic stability) performed at Invitae indicates that this missense variant is not expected to disrupt ANKRD11 protein function with a negative predictive value of 95%. In summary, the available evidence is currently insufficient to determine the role of this variant in disease. Therefore, it has been classified as a Variant of Uncertain Significance.